The following is an entry in ClinVar:

ClinVar aggregate classification (germline): Benign. Review status: criteria provided, multiple submitters, no conflicts (2 of 4 stars). 8 submissions from 4 submitters: Benign (8). Last evaluated 2021-10-25.

Conditions:
Epidermolysis bullosa simplex with nail dystrophy (EBS5D). Identifiers: MedGen C4225309, MONDO:0014661, OMIM 616487.
Autosomal recessive limb-girdle muscular dystrophy type 2Q (LGMDR17). Also called: MUSCULAR DYSTROPHY, LIMB-GIRDLE, AUTOSOMAL RECESSIVE 17. Identifiers: Orphanet 254361, MedGen C3150989, MONDO:0013390, OMIM 613723.
Epidermolysis bullosa simplex, Ogna type (EBS5A). Also called: Pidermolysis bullosa simplex 5A, Ogna type; EPIDERMOLYSIS BULLOSA SIMPLEX 5A, OGNA TYPE. Identifiers: Orphanet 79401, MedGen C0432317, MONDO:0007555, OMIM 131950.
Epidermolysis bullosa simplex 5B, with muscular dystrophy (EBS5B). Also called: Epidermolysis bullosa simplex with muscular dystrophy; EPIDERMOLYSIS BULLOSA SIMPLEX AND LIMB-GIRDLE MUSCULAR DYSTROPHY. Identifiers: Orphanet 257, MedGen C2931072, MONDO:0009181, OMIM 226670.
Epidermolysis bullosa simplex 5C, with pyloric atresia (EBS5C). Also called: Epidermolysis bullosa simplex with pyloric atresia; PLEC-Related Epidermolysis Bullosa with Pyloric Atresia; PLEC1-Related Epidermolysis Bullosa with Pyloric Atresia. Identifiers: Orphanet 158684, MedGen C2677349, MONDO:0012807, OMIM 612138.

Allele frequency attached by ClinVar (database versions not stated): 1000 Genomes Project 0.39337; 1000 Genomes Project 30x 0.40240; TOPMed 0.44897; ESP Exome Variant Server 0.46196.
gnomAD v4.1: 645,551 of 1,611,652 alleles (40%); highest among the groups gnomAD compares: African/African-American, 63%; 133,682 homozygotes.

Submissions (8):

Genome-Nilou Lab
Classification: Benign for Epidermolysis bullosa simplex with nail dystrophy. Last evaluated: 2021-10-25. Review status: criteria provided, single submitter. Criteria: ACMG Guidelines, 2015. Collection method: clinical testing. Allele origin: germline. Affected: no.

Genome-Nilou Lab
Classification: Benign for Epidermolysis bullosa simplex, Ogna type. Last evaluated: 2021-10-25. Review status: criteria provided, single submitter. Criteria: ACMG Guidelines, 2015. Collection method: clinical testing. Allele origin: germline. Affected: no.

Genome-Nilou Lab
Classification: Benign for Epidermolysis bullosa simplex 5B, with muscular dystrophy. Last evaluated: 2021-10-25. Review status: criteria provided, single submitter. Criteria: ACMG Guidelines, 2015. Collection method: clinical testing. Allele origin: germline. Affected: no.

Genome-Nilou Lab
Classification: Benign for Epidermolysis bullosa simplex 5C, with pyloric atresia. Last evaluated: 2021-10-25. Review status: criteria provided, single submitter. Criteria: ACMG Guidelines, 2015. Collection method: clinical testing. Allele origin: germline. Affected: no.

Genome-Nilou Lab
Classification: Benign for Autosomal recessive limb-girdle muscular dystrophy type 2Q. Last evaluated: 2021-10-25. Review status: criteria provided, single submitter. Criteria: ACMG Guidelines, 2015. Collection method: clinical testing. Allele origin: germline. Affected: no.

GeneDx
Classification: Benign. Last evaluated: 2018-06-14. Review status: criteria provided, single submitter. Criteria: GeneDx Variant Classification (06012015). Collection method: clinical testing. Allele origin: germline. Affected: yes.
Comment: This variant is considered likely benign or benign based on one or more of the following criteria: it is a conservative change, it occurs at a poorly conserved position in the protein, it is predicted to be benign by multiple in silico algorithms, and/or has population frequency not consistent with disease.

Breakthrough Genomics
Classification: Benign. Review status: criteria provided, single submitter. Criteria: ACMG Guidelines, 2015. Collection method: not provided. Allele origin: germline. Inheritance: Autosomal recessive inheritance. Affected: yes.

PreventionGenetics, part of Exact Sciences
Classification: Benign. Review status: criteria provided, single submitter. Criteria: ACMG Guidelines, 2015. Collection method: clinical testing. Allele origin: germline.

NM_201384.3(PLEC):c.946-33C>G

Gene: PLEC (plectin; minus strand). Cytogenetic location: 8q24.3.
Variant type: single nucleotide variant.
Coding change: c.946-33C>G on transcript NM_201384.3 (MANE Select); 33 bases into the intron before coding-DNA position 946, C replaced by G.
Molecular consequence: intron variant.
Genome position (GRCh38, 1-based): chr8:143,934,763, G>C on the plus strand (C>G on the coding strand, the complement: PLEC is on the minus strand). VCF-style: chr8-143934763-G-C. GRCh37 (hg19) VCF-style: chr8-145008931-G-C.
Other names: c.1027-33C>G (NM_000445.5); c.904-33C>G (NM_201378.4); c.880-33C>G (NM_201379.3); c.1357-33C>G (NM_201380.4); c.850-33C>G (NM_201381.3); c.946-33C>G (NM_201382.4); c.958-33C>G (NM_201383.3).
Identifiers: ClinVar variation 256168 (VCV000256168.5), dbSNP rs6994460, ClinGen allele CA4928242.